The following is an entry in ClinVar:

ClinVar aggregate classification (germline): Uncertain significance (1 of 4 stars; one submission).

Conditions:
Nephronophthisis. Also called: Juvenile Nephronophthisis. Identifiers: Orphanet 655, MedGen C0687120, MONDO:0019005, HP:0000090.

Submission:

Labcorp Genetics (formerly Invitae), Labcorp
Classification: Uncertain significance for Nephronophthisis. Last evaluated: 2022-10-13. Review status: criteria provided, single submitter. Criteria: Invitae Variant Classification Sherloc (09022015). Collection method: clinical testing. Allele origin: germline.
Comment: This sequence change replaces leucine, which is neutral and non-polar, with valine, which is neutral and non-polar, at codon 981 of the NPHP4 protein (p.Leu981Val). This variant is not present in population databases (gnomAD no frequency). This variant has not been reported in the literature in individuals affected with NPHP4-related conditions. Advanced modeling of protein sequence and biophysical properties (such as structural, functional, and spatial information, amino acid conservation, physicochemical variation, residue mobility, and thermodynamic stability) performed at Invitae indicates that this missense variant is not expected to disrupt NPHP4 protein function. In summary, the available evidence is currently insufficient to determine the role of this variant in disease. Therefore, it has been classified as a Variant of Uncertain Significance.

NM_015102.5(NPHP4):c.2941C>G (p.Leu981Val)

Gene: NPHP4 (nephrocystin 4; minus strand). Cytogenetic location: 1p36.31.
Variant type: single nucleotide variant.
Coding change: c.2941C>G on transcript NM_015102.5 (MANE Select); coding-DNA position 2941, C replaced by G.
Protein change: p.Leu981Val; replaces leucine 981 with valine.
Molecular consequence: missense variant. On other transcripts: non-coding transcript variant (1).
Genome position (GRCh38, 1-based): chr1:5,874,977, G>C on the plus strand (C>G on the coding strand, the complement: NPHP4 is on the minus strand). VCF-style: chr1-5874977-G-C. GRCh37 (hg19) VCF-style: chr1-5935037-G-C.
Other names: c.1402C>G, p.Leu468Val (NM_001291593.2); c.1405C>G, p.Leu469Val (NM_001291594.2); short protein forms L468V, L469V, L981V.
Identifiers: ClinVar variation 2101942 (VCV002101942.4), dbSNP rs2523145601, ClinGen allele CA338056322.
Genomic context (GRCh38, chr1:5,874,977, plus strand): 5'-TGTTGTGGGGGTTCTTAAGCACAAACTCAAAGAACTCGGCGACCCCCAGCGTGGCGTGGA[G>C]CGTGTGCTCCGTGGTGATGGCCAGGCTCAGCAGGCTGGCGATGCTCTCGGCCTTCGTGCG-3'
Protein context (NP_055917.1, residues 971-991): LSLAITTEHT[Leu981Val]HATLGVAEFF